The following is an entry in ClinVar:

NM_004519.4(KCNQ3):c.2093G>T (p.Ser698Ile)

Gene: KCNQ3 (potassium voltage-gated channel subfamily Q member 3; minus strand). Cytogenetic location: 8q24.22.
Variant type: single nucleotide variant.
Coding change: c.2093G>T on transcript NM_004519.4 (MANE Select); coding-DNA position 2093, G replaced by T.
Protein change: p.Ser698Ile; replaces serine 698 with isoleucine.
Molecular consequence: missense variant.
Genome position (GRCh38, 1-based): chr8:132,129,788, C>A on the plus strand (G>T on the coding strand, the complement: KCNQ3 is on the minus strand). VCF-style: chr8-132129788-C-A. GRCh37 (hg19) VCF-style: chr8-133142035-C-A.
Other names: c.1733G>T, p.Ser578Ile (NM_001204824.2); short protein forms S698I, S578I.
Identifiers: ClinVar variation 3637106 (VCV003637106.2).

ClinVar aggregate classification (germline): Uncertain significance (1 of 4 stars; one submission).

Conditions:
Benign neonatal seizures. Also called: Benign familial neonatal seizures; Convulsions benign familial neonatal dominant form; Autosomal dominant form of benign neonatal seizures; Benign familial neonatal epilepsy; Benign neonatal familial convulsions. Identifiers: Orphanet 1949, MedGen C0220669, MONDO:0016027.

gnomAD v4.1: 1 of 1,614,172 alleles (0.000062%); highest among the groups gnomAD compares: East Asian, 0.0022%; no homozygotes.

Submission:

Labcorp Genetics (formerly Invitae), Labcorp
Classification: Uncertain significance for Benign neonatal seizures. Last evaluated: 2025-03-04. Review status: criteria provided, single submitter. Criteria: Invitae Variant Classification Sherloc (09022015). Collection method: clinical testing. Allele origin: germline.
Comment: This sequence change replaces serine, which is neutral and polar, with isoleucine, which is neutral and non-polar, at codon 698 of the KCNQ3 protein (p.Ser698Ile). This variant is not present in population databases (gnomAD no frequency). This variant has not been reported in the literature in individuals affected with KCNQ3-related conditions. Invitae Evidence Modeling of protein sequence and biophysical properties (such as structural, functional, and spatial information, amino acid conservation, physicochemical variation, residue mobility, and thermodynamic stability) indicates that this missense variant is not expected to disrupt KCNQ3 protein function with a negative predictive value of 95%. In summary, the available evidence is currently insufficient to determine the role of this variant in disease. Therefore, it has been classified as a Variant of Uncertain Significance.